The following is an entry in ClinVar:

NM_000038.6(APC):c.1912A>G (p.Ile638Val)

Gene: APC (APC regulator of Wnt signaling pathway; plus strand). Cytogenetic location: 5q22.2.
Variant type: single nucleotide variant.
Coding change: c.1912A>G on transcript NM_000038.6 (MANE Select); coding-DNA position 1912, A replaced by G.
Protein change: p.Ile638Val; replaces isoleucine 638 with valine.
Molecular consequence: missense variant.
Genome position (GRCh38, 1-based): chr5:112,835,119, A>G. VCF-style: chr5-112835119-A-G. GRCh37 (hg19) VCF-style: chr5-112170816-A-G.
Other names: c.1912A>G, p.Ile638Val (NM_001127510.3, NM_001354895.2); c.1858A>G, p.Ile620Val (NM_001127511.3); c.1966A>G, p.Ile656Val (NM_001354896.2); c.1942A>G, p.Ile648Val (NM_001354897.2); c.1837A>G, p.Ile613Val (NM_001354898.2); c.1828A>G, p.Ile610Val (NM_001354899.2); c.1789A>G, p.Ile597Val (NM_001354900.2); c.1735A>G, p.Ile579Val (NM_001354901.2); and 5 more; short protein forms I620V, I638V, I537V, I547V, I656V, I355V, I648V, I478V.
Identifiers: ClinVar variation 83212 (VCV000083212.16), dbSNP rs75117039, ClinGen allele CA006325.

ClinVar aggregate classification (germline): Uncertain significance. Review status: criteria provided, multiple submitters, no conflicts (2 of 4 stars). 4 submissions from 4 submitters: Uncertain significance (3). 1 of the submissions does not count toward it. Last evaluated 2026-02-03.

Conditions:
Hereditary cancer-predisposing syndrome. Also called: Tumor predisposition; Hereditary Cancer Syndrome; Hereditary neoplastic syndrome; Neoplastic Syndromes, Hereditary. Identifiers: Orphanet 140162, MedGen C0027672, MeSH D009386, MONDO:0015356.
Familial adenomatous polyposis 1 (FAP1). Also called: POLYPOSIS, ADENOMATOUS INTESTINAL; FAMILIAL ADENOMATOUS POLYPOSIS 1, ATTENUATED. Identifiers: MedGen C2713442, MONDO:0021056, OMIM 175100. Disease mechanism: loss of function.
Familial colorectal cancer. Identifiers: MedGen CN280943, MONDO:0023113. Disease mechanism: loss of function.

Allele frequency attached by ClinVar (database versions not stated): gnomAD exomes below 0.00001; TOPMed below 0.00001.
gnomAD v4.1: 1 of 1,614,156 alleles (0.000062%); highest among the groups gnomAD compares: Non-Finnish European, 0.000085%; no homozygotes.

Submissions (4):

Labcorp Genetics (formerly Invitae), Labcorp
Classification: Uncertain significance for Familial adenomatous polyposis 1. Last evaluated: 2026-02-03. Review status: criteria provided, single submitter. Criteria: Invitae Variant Classification Sherloc (09022015). Collection method: clinical testing. Allele origin: germline.
Comment: This sequence change replaces isoleucine, which is neutral and non-polar, with valine, which is neutral and non-polar, at codon 638 of the APC protein (p.Ile638Val). This variant is not present in population databases (gnomAD no frequency). This variant has not been reported in the literature in individuals affected with APC-related conditions. ClinVar contains an entry for this variant (Variation ID: 83212). Invitae Evidence Modeling of protein sequence and biophysical properties (such as structural, functional, and spatial information, amino acid conservation, physicochemical variation, residue mobility, and thermodynamic stability) indicates that this missense variant is not expected to disrupt APC protein function with a negative predictive value of 95%. In summary, the available evidence is currently insufficient to determine the role of this variant in disease. Therefore, it has been classified as a Variant of Uncertain Significance.

Ambry Genetics
Classification: Uncertain significance for Hereditary cancer-predisposing syndrome. Last evaluated: 2024-07-02. Review status: criteria provided, single submitter. Criteria: Ambry Variant Classification Scheme 2023. Collection method: clinical testing. Allele origin: germline.
Comment: The p.I638V variant (also known as c.1912A>G), located in coding exon 14 of the APC gene, results from an A to G substitution at nucleotide position 1912. The isoleucine at codon 638 is replaced by valine, an amino acid with highly similar properties. This amino acid position is highly conserved in available vertebrate species. In addition, in silico predictors for this gene do not accurately predict pathogenicity. Missense alterations in APC are not a common cause of disease (Spier I et al. Genet Med. 2024 Feb;26(2):100992). Based on the available evidence, the clinical significance of this variant remains unclear.

Women's Health and Genetics/Laboratory Corporation of America, LabCorp
Classification: Uncertain significance. Last evaluated: 2019-05-17. Review status: criteria provided, single submitter. Criteria: LabCorp Variant Classification Summary - May 2015. Collection method: clinical testing. Allele origin: germline.
Comment: Variant summary: APC c.1912A>G (p.Ile638Val) results in a conservative amino acid change located in the Armadillo domain of the encoded protein sequence. Three of five in-silico tools predict a damaging effect of the variant on protein function. The variant was absent in 251278 control chromosomes. The available data on variant occurrences in the general population are insufficient to allow any conclusion about variant significance. To our knowledge, no occurrence of c.1912A>G in individuals affected with Familial Adenomatous Polyposis and no experimental evidence demonstrating its impact on protein function have been reported. One clinical diagnostic laboratory has submitted clinical-significance assessments for this variant to ClinVar after 2014 without evidence for independent evaluation. One laboratory classified the variant as uncertain significance. Based on the evidence outlined above, the variant was classified as uncertain significance.

Systems Biology Platform Zhejiang California International NanoSystems Institute
Classification: other for Familial colorectal cancer. Review status: no assertion criteria provided. Collection method: not provided. Allele origin: unknown. Not counted in ClinVar's aggregate classification.
ClinVar note: Converted during submission from cancer to other.